The following is an entry in ClinVar:

NM_000057.4(BLM):c.3303A>C (p.Lys1101Asn)

Gene: BLM (BLM RecQ like helicase; plus strand). Cytogenetic location: 15q26.1.
Variant type: single nucleotide variant.
Coding change: c.3303A>C on transcript NM_000057.4 (MANE Select); coding-DNA position 3303, A replaced by C.
Protein change: p.Lys1101Asn; replaces lysine 1101 with asparagine.
Molecular consequence: missense variant.
Genome position (GRCh38, 1-based): chr15:90,798,282, A>C. VCF-style: chr15-90798282-A-C. GRCh37 (hg19) VCF-style: chr15-91341512-A-C.
Other names: c.3303A>C, p.Lys1101Asn (NM_001287246.2, NM_001287247.2); c.2178A>C, p.Lys726Asn (NM_001287248.2); short protein forms K1101N, K726N.
Identifiers: ClinVar variation 4212131 (VCV004212131.1).

ClinVar aggregate classification (germline): Uncertain significance (1 of 4 stars; one submission).

Conditions:
Hereditary cancer-predisposing syndrome. Also called: Neoplastic Syndromes, Hereditary; Tumor predisposition; Hereditary Cancer Syndrome; Hereditary neoplastic syndrome. Identifiers: Orphanet 140162, MedGen C0027672, MeSH D009386, MONDO:0015356.

Submission:

Ambry Genetics
Classification: Uncertain significance for Hereditary cancer-predisposing syndrome. Last evaluated: 2025-08-29. Review status: criteria provided, single submitter. Criteria: Ambry Variant Classification Scheme 2023. Collection method: clinical testing. Allele origin: germline.
Comment: The p.K1101N variant (also known as c.3303A>C), located in coding exon 16 of the BLM gene, results from an A to C substitution at nucleotide position 3303. The lysine at codon 1101 is replaced by asparagine, an amino acid with similar properties. This amino acid position is conserved. In addition, this alteration is predicted to be tolerated by in silico analysis. Based on the available evidence, the clinical significance of this variant remains unclear.